The following is an entry in ClinVar:

ClinVar aggregate classification (germline): Uncertain significance (1 of 4 stars; one submission).

Conditions:
Combined immunodeficiency due to LRBA deficiency. Also called: Common variable immunodeficiency 8, with autoimmunity. Identifiers: Orphanet 445018, MedGen C3553512, MONDO:0013863, OMIM 614700.

Allele frequency attached by ClinVar (database versions not stated): gnomAD exomes below 0.00001; ExAC 0.00001; ESP Exome Variant Server 0.00008.
gnomAD v4.1: 3 of 1,611,778 alleles (0.00019%); highest among the groups gnomAD compares: African/African-American, 0.0027%; no homozygotes.

Submission:

Labcorp Genetics (formerly Invitae), Labcorp
Classification: Uncertain significance for Combined immunodeficiency due to LRBA deficiency. Last evaluated: 2022-12-06. Review status: criteria provided, single submitter. Criteria: Invitae Variant Classification Sherloc (09022015). Collection method: clinical testing. Allele origin: germline.
Comment: This variant has not been reported in the literature in individuals affected with LRBA-related conditions. This variant is present in population databases (rs375803883, gnomAD 0.008%). This sequence change replaces aspartic acid, which is acidic and polar, with glutamic acid, which is acidic and polar, at codon 2119 of the LRBA protein (p.Asp2119Glu). In summary, the available evidence is currently insufficient to determine the role of this variant in disease. Therefore, it has been classified as a Variant of Uncertain Significance. Advanced modeling of protein sequence and biophysical properties (such as structural, functional, and spatial information, amino acid conservation, physicochemical variation, residue mobility, and thermodynamic stability) performed at Invitae indicates that this missense variant is not expected to disrupt LRBA protein function. ClinVar contains an entry for this variant (Variation ID: 1509865).

NM_001364905.1(LRBA):c.6324C>A (p.Asp2108Glu)

Gene: LRBA (LPS responsive beige-like anchor protein; minus strand). Cytogenetic location: 4q31.3.
Variant type: single nucleotide variant.
Coding change: c.6324C>A on transcript NM_001364905.1 (MANE Select); coding-DNA position 6324, C replaced by A.
Protein change: p.Asp2108Glu; replaces aspartic acid 2108 with glutamic acid.
Molecular consequence: missense variant.
Genome position (GRCh38, 1-based): chr4:150,588,054, G>T on the plus strand (C>A on the coding strand, the complement: LRBA is on the minus strand). VCF-style: chr4-150588054-G-T. GRCh37 (hg19) VCF-style: chr4-151509206-G-T.
Other names: c.6324C>A, p.Asp2108Glu (NM_001199282.3, NM_001367550.1); c.6357C>A, p.Asp2119Glu (NM_006726.5); short protein forms D2108E, D2119E.
Identifiers: ClinVar variation 1509865 (VCV001509865.8), dbSNP rs375803883, ClinGen allele CA3102153.
Genomic context (GRCh38, chr4:150,588,054, plus strand): 5'-AACAGCACCCACCATCCCATCATAAGAAAAAATGAAACCCCTTCATCTTCTCACCTTGGG[G>T]TCGATTTTTTTGAAGTTAGGATCCTCTTCATCCACCTCAAAATAGAGTTCGGAGGAGGTG-3'
Protein context (NP_001351834.1, residues 2098-2118): DEEDPNFKKI[Asp2108Glu]PKILAYTEGL